The following is an entry in ClinVar:

NM_031935.3(HMCN1):c.8429C>T (p.Thr2810Ile)

Gene: HMCN1 (hemicentin 1; plus strand). Cytogenetic location: 1q31.1.
Variant type: single nucleotide variant.
Coding change: c.8429C>T on transcript NM_031935.3 (MANE Select); coding-DNA position 8429, C replaced by T.
Protein change: p.Thr2810Ile; replaces threonine 2810 with isoleucine.
Molecular consequence: missense variant.
Genome position (GRCh38, 1-based): chr1:186,076,566, C>T. VCF-style: chr1-186076566-C-T. GRCh37 (hg19) VCF-style: chr1-186045698-C-T.
Other names: short protein forms T2810I.
Identifiers: ClinVar variation 2007908 (VCV002007908.4), dbSNP rs2527833527, ClinGen allele CA343912605.

ClinVar aggregate classification (germline): Uncertain significance (1 of 4 stars; one submission).

Submission:

Labcorp Genetics (formerly Invitae), Labcorp
Classification: Uncertain significance. Last evaluated: 2022-09-21. Review status: criteria provided, single submitter. Criteria: Invitae Variant Classification Sherloc (09022015). Collection method: clinical testing. Allele origin: germline.
Comment: This variant has not been reported in the literature in individuals affected with HMCN1-related conditions. In summary, the available evidence is currently insufficient to determine the role of this variant in disease. Therefore, it has been classified as a Variant of Uncertain Significance. Algorithms developed to predict the effect of missense changes on protein structure and function (SIFT, PolyPhen-2, Align-GVGD) all suggest that this variant is likely to be disruptive. This variant is not present in population databases (gnomAD no frequency). This sequence change replaces threonine, which is neutral and polar, with isoleucine, which is neutral and non-polar, at codon 2810 of the HMCN1 protein (p.Thr2810Ile).